The following is an entry in ClinVar:

NM_005909.5(MAP1B):c.2006T>C (p.Ile669Thr)

Gene: MAP1B (microtubule associated protein 1B; plus strand). Cytogenetic location: 5q13.2.
Variant type: single nucleotide variant.
Coding change: c.2006T>C on transcript NM_005909.5 (MANE Select); coding-DNA position 2006, T replaced by C.
Protein change: p.Ile669Thr; replaces isoleucine 669 with threonine.
Molecular consequence: missense variant.
Genome position (GRCh38, 1-based): chr5:72,195,361, T>C. VCF-style: chr5-72195361-T-C. GRCh37 (hg19) VCF-style: chr5-71491188-T-C.
Other names: c.1628T>C, p.Ile543Thr (NM_001324255.2); short protein forms I543T, I669T.
Identifiers: ClinVar variation 2497858 (VCV002497858.2), dbSNP rs1747131793, ClinGen allele CA360003019.

ClinVar aggregate classification (germline): Likely benign (1 of 4 stars; one submission).

Submission:

GeneDx
Classification: Likely benign. Last evaluated: 2023-11-28. Review status: criteria provided, single submitter. Criteria: GeneDx Variant Classification Process June 2021. Collection method: clinical testing. Allele origin: germline.
Comment: See Variant Classification Assertion Criteria.